The following is an entry in ClinVar:

NM_002336.3(LRP6):c.1529A>G (p.Lys510Arg)

Gene: LRP6 (LDL receptor related protein 6; minus strand). Cytogenetic location: 12p13.2.
Variant type: single nucleotide variant.
Coding change: c.1529A>G on transcript NM_002336.3 (MANE Select); coding-DNA position 1529, A replaced by G.
Protein change: p.Lys510Arg; replaces lysine 510 with arginine.
Molecular consequence: missense variant.
Genome position (GRCh38, 1-based): chr12:12,179,826, T>C on the plus strand (A>G on the coding strand, the complement: LRP6 is on the minus strand). VCF-style: chr12-12179826-T-C. GRCh37 (hg19) VCF-style: chr12-12332760-T-C.
Other names: c.1529A>G, p.Lys510Arg (NM_001414244.1, NM_001414245.1, NM_001414246.1 and 5 more transcripts); c.1331A>G, p.Lys444Arg (NM_001414247.1); c.1076A>G, p.Lys359Arg (NM_001414252.1, NM_001414253.1, NM_001414254.1); short protein forms K444R, K359R, K510R.
Identifiers: ClinVar variation 1965473 (VCV001965473.5), dbSNP rs775376354, ClinGen allele CA6455655.
Genomic context (GRCh38, chr12:12,179,826, plus strand): 5'-CCCATTATAAAAGTGGCTTGAAAATGAAAAAGCAAAAAACAAACCTCAATCTTGTCTGTT[T>C]TGGCATCTCCCCAGTATATTTTGCCTTCATCATAATCCAAGGCTAAACCATTTGGCCAAC-3'
Protein context (NP_002327.2, residues 500-520): DEGKIYWGDA[Lys510Arg]TDKIEVMNTD

ClinVar aggregate classification (germline): Uncertain significance (1 of 4 stars; one submission).

Allele frequency attached by ClinVar (database versions not stated): TOPMed below 0.00001; gnomAD exomes 0.00001; ExAC 0.00002.
gnomAD v4.1: 19 of 1,613,838 alleles (0.0012%); highest among the groups gnomAD compares: South Asian, 0.02%; no homozygotes.

Submission:

Labcorp Genetics (formerly Invitae), Labcorp
Classification: Uncertain significance. Last evaluated: 2022-10-19. Review status: criteria provided, single submitter. Criteria: Invitae Variant Classification Sherloc (09022015). Collection method: clinical testing. Allele origin: germline.
Comment: This variant is present in population databases (rs775376354, gnomAD 0.01%). This sequence change replaces lysine, which is basic and polar, with arginine, which is basic and polar, at codon 510 of the LRP6 protein (p.Lys510Arg). This variant has not been reported in the literature in individuals affected with LRP6-related conditions. Advanced modeling of protein sequence and biophysical properties (such as structural, functional, and spatial information, amino acid conservation, physicochemical variation, residue mobility, and thermodynamic stability) performed at Invitae indicates that this missense variant is not expected to disrupt LRP6 protein function. In summary, the available evidence is currently insufficient to determine the role of this variant in disease. Therefore, it has been classified as a Variant of Uncertain Significance.